The following is an entry in ClinVar:

NM_001379500.1(COL18A1):c.3216G>A (p.Gln1072=)

Genes: COL18A1 (collagen type XVIII alpha 1 chain; plus strand), SLC19A1 (solute carrier family 19 member 1; minus strand). Cytogenetic location: 21q22.3.
Variant type: single nucleotide variant.
Coding change: c.3216G>A on transcript NM_001379500.1 (MANE Select); coding-DNA position 3216, G replaced by A.
Protein change: p.Gln1072=; no amino-acid change (glutamine 1072 retained).
Molecular consequence: synonymous variant.
Genome position (GRCh38, 1-based): chr21:45,505,966, G>A. VCF-style: chr21-45505966-G-A. GRCh37 (hg19) VCF-style: chr21-46925880-G-A.
Other names: c.3747G>A, p.Gln1249= (NM_030582.4); c.4452G>A, p.Gln1484= (NM_130444.3).
Identifiers: ClinVar variation 1921898 (VCV001921898.5), dbSNP rs775265179, ClinGen allele CA10067753.

ClinVar aggregate classification (germline): Uncertain significance (1 of 4 stars; one submission).

Allele frequency attached by ClinVar (database versions not stated): gnomAD exomes below 0.00001; TOPMed below 0.00001; ExAC 0.00001.
gnomAD v4.1: 1 of 1,613,144 alleles (0.000062%); highest among the groups gnomAD compares: Non-Finnish European, 0.000085%; no homozygotes.

Submission:

Labcorp Genetics (formerly Invitae), Labcorp
Classification: Uncertain significance. Last evaluated: 2022-08-09. Review status: criteria provided, single submitter. Criteria: Invitae Variant Classification Sherloc (09022015). Collection method: clinical testing. Allele origin: germline.
Comment: In summary, the available evidence is currently insufficient to determine the role of this variant in disease. Therefore, it has been classified as a Variant of Uncertain Significance. Algorithms developed to predict the effect of sequence changes on RNA splicing suggest that this variant may create or strengthen a splice site. This variant has not been reported in the literature in individuals affected with COL18A1-related conditions. This variant is present in population databases (rs775265179, gnomAD 0.006%). This sequence change affects codon 1069 of the COL18A1 mRNA. It is a 'silent' change, meaning that it does not change the encoded amino acid sequence of the COL18A1 protein. It affects a nucleotide within the consensus splice site.